The following continues an entry in ClinVar:

NM_000372.5(TYR):c.1118C>A (p.Thr373Lys)

Gene: TYR. ClinVar aggregate classification (germline): Pathogenic. Pathogenic (25).

Submissions 13 to 26 of 31:

Pittsburgh Clinical Genomics Laboratory, University of Pittsburgh Medical Center
Classification: Pathogenic for Oculocutaneous albinism type 1B. Last evaluated: 2024-02-19. Review status: criteria provided, single submitter. Criteria: ACMG Guidelines, 2015. Collection method: clinical testing. Allele origin: germline. Inheritance: Autosomal recessive inheritance. Affected: yes.
Comment: This sequence variant is a single nucleotide substitution (C>A) at position 1118 of the coding sequence of the TYR gene that results in a threonine to lysine amino acid change at residue 373 of the tyrosinase protein. The 373 residue falls in the tyrosinase domain (UniProt). This is a previously reported variant (ClinVar 3774) and is one of the most common variants associated oculocutaneous albinism in both the homozygous and compound heterozygous states (PMID: 1642278, 13680365, 27734839, 30472657, 15146472, 18326704, 23504663, 13680365). This variant is present in 161 of 403008 alleles (0.0399%) in the gnomAD population dataset. Bioinformatic tools provide conflicting predictions concerning the impact of this variant, and the Thr373 residue at this position is highly conserved across the vertebrate species examined. Functional studies have demonstrated that the protein resulting from this variant has nearly no tyrosinase activity, produces nearly no melanin, fails to leave the endoplasmic reticulum, and is degraded (PMID: 11284711, 1429711, 9242509, 27775880). Based upon the evidence, we consider this variant to be pathogenic. ACMG Criteria: PM3, PP2, PS3, PS4

Greenwood Genetic Center Diagnostic Laboratories, Greenwood Genetic Center
Classification: Pathogenic for TYR-related disorder. Last evaluated: 2023-07-28. Review status: criteria provided, single submitter. Criteria: ACMG Guidelines, 2015. Collection method: clinical testing. Allele origin: germline. Affected: yes.
Comment: PS3, PM3_Very Strong, PP3

Victorian Clinical Genetics Services, Murdoch Childrens Research Institute
Classification: Pathogenic for Oculocutaneous albinism. Last evaluated: 2023-07-17. Review status: criteria provided, single submitter. Criteria: ACMG Guidelines, 2015. Collection method: clinical testing. Allele origin: germline. Inheritance: Autosomal recessive inheritance. Affected: yes.
Comment: Based on the classification scheme VCGS_Germline_v1.3.4, this variant is classified as Pathogenic. Following criteria are met: 0102 - Loss of function is a known mechanism of disease in this gene and is associated with oculocutaneous albinism, TYR-related (MONDO:0018910). (I) 0106 - This gene is associated with autosomal recessive disease. (I) 0200 - Variant is predicted to result in a missense amino acid change from threonine to lysine. (I) 0251 - This variant is heterozygous. (I) 0304 - Variant is present in gnomAD (v2) <0.01 for a recessive condition (100 heterozygotes, 0 homozygotes). (SP) 0309 - An alternative amino acid change at the same position has been observed in gnomAD (v3) (p.(Thr373Ala): 1 heterozygote, 0 homozygotes). (I) 0502 - Missense variant with conflicting in silico predictions and uninformative conservation. (I) 0600 - Variant is located in the annotated tyrosinase domain (NCBI). (I) 0801 - This variant has very strong previous evidence of pathogenicity in unrelated individuals. This variant has been reported in multiple individuals with albinism or ocular albinism (ClinVar, PMIDs: 2342539, 18326704, 29345414). (SP) 0901 - This variant has strong evidence for segregation with disease. This variant has been identified in a family with at least four affected individuals (PMID: 2342539). (I) Legend: (SP) - Supporting pathogenic, (I) - Information, (SB) - Supporting benign

Johns Hopkins Genomics, Johns Hopkins University
Classification: Pathogenic for Oculocutaneous albinism type 1A. Last evaluated: 2022-10-10. Review status: criteria provided, single submitter. Criteria: ACMG Guidelines, 2015. Collection method: clinical testing. Allele origin: germline.
Comment: This TYR variant (rs61754388) is rare (<0.1%) in a large population dataset (gnomAD: 100/282382 total alleles; 0.035%; no homozygotes) and has been reported in ClinVar. It is one of the most commonly reported TYR variants in individuals of European ancestry with OCA1. This variant has been observed in a homozygous or compound heterozygous state with another pathogenic TYR variant and has been shown to segregate with disease in affected families. This amino acid substitution (p.Thr373Lys) disrupts a signal for N-glycosylation, which results in incomplete processing of the tyrosinase enzyme to its mature glycosylated form and retention of the protein in the endoplasmic reticulum (ER). Experimental studies in transfected HeLa cells demonstrate that the p.Thr373Lys variant abolishes catalytic activity. We consider c.1118C>A to be pathogenic.

Johns Hopkins Genomics, Johns Hopkins University
Classification: Pathogenic for Oculocutaneous albinism type 1B. Last evaluated: 2022-10-10. Review status: criteria provided, single submitter. Criteria: ACMG Guidelines, 2015. Collection method: clinical testing. Allele origin: germline.
Comment: the same text as in the submission from Johns Hopkins Genomics, Johns Hopkins University above.

MGZ Medical Genetics Center
Classification: Pathogenic for Oculocutaneous albinism type 1A. Last evaluated: 2022-07-22. Review status: criteria provided, single submitter. Criteria: ACMG Guidelines, 2015. Collection method: clinical testing. Allele origin: germline. Affected: yes. Observed: 2 variant alleles.
Comment: ACMG criteria applied: PS3, PM3, PP1_MOD, PM2_SUP, PP3

GeneDx
Classification: Pathogenic. Last evaluated: 2022-01-17. Review status: criteria provided, single submitter. Criteria: GeneDx Variant Classification Process June 2021. Collection method: clinical testing. Allele origin: germline. Affected: yes.
Comment: Published functional studies demonstrate a damaging effect, specifically, T373K transfected cells had no tyrosine hydroxylase activity, undetectable melanin production, and showed the T373K mutant protein was unable to leave the endoplasmic reticulum (Tripathi et al., 1992; Toyofuku et al., 2001). A separate in vitro study also suggests improper folding of the T373K protein (Dolinska et al., 2017); In silico analysis supports that this missense variant has a deleterious effect on protein structure/function; This variant is associated with the following publications: (PMID: 9242509, 11284711, 23085273, 2342539, 27775880, 28484254, 1429711, 27535533, 18463683, 29036293, 28555837, 25533962, 31233279, 31719542, 28976636, 32543925, 31980526, 31589614, 33077847)

Genetics and Molecular Pathology, SA Pathology
Classification: Pathogenic for Oculocutaneous albinism type 1A. Last evaluated: 2021-11-05. Review status: criteria provided, single submitter. Criteria: ACMG Guidelines, 2015. Collection method: clinical testing. Allele origin: germline. Inheritance: Autosomal recessive inheritance. Affected: yes.

Genome-Nilou Lab
Classification: Pathogenic for Oculocutaneous albinism type 1A. Last evaluated: 2021-07-22. Review status: criteria provided, single submitter. Criteria: ACMG Guidelines, 2015. Collection method: clinical testing. Allele origin: germline. Affected: no.

Laboratory for Molecular Medicine, Mass General Brigham Personalized Medicine
Classification: Pathogenic for Oculocutaneous albinism. Last evaluated: 2020-01-15. Review status: criteria provided, single submitter. Criteria: ACMG Guidelines, 2015. Collection method: clinical testing. Allele origin: germline. Inheritance: Autosomal recessive inheritance. Study: CSER-MedSeq.
Comment: The Thr373Lys variant in TYR has been reported in >40 individuals with Oculocutaneous albinism and was found to segregate with disease in 3 affected relatives from 1 family (Spritz 1990, Gershoni-Baruch 1994, King 2003, Opitz 2004, Hutton 2008, Hutton 2008, Cargiulo 2011). It has also been identified in 0.07% (88/128890) of European chromosomes by gnomAD and has been reported in ClinVar (Variation ID: 3774). Although this variant has been seen in the general population, its frequency is low enough to be consistent with a recessive carrier frequency. In vitro functional studies suggest this variant leads to abolished TYR activity (Tripathi 1992). In summary, this variant meets criteria to be classified as pathogenic for autosomal recessive Oculocutaneous albinism. ACMG/AMP Criteria applied: PM3_Very Strong, PP1_Strong, PS3_Moderate.

Illumina Laboratory Services, Illumina
Classification: Pathogenic for Oculocutaneous albinism. Last evaluated: 2017-04-27. Review status: criteria provided, single submitter. Criteria: ICSL Variant Classification Criteria 09 May 2019. Collection method: clinical testing. Allele origin: germline.
Comment: The TYR c.1118C>A (p.Thr373Lys) missense variant has been reported in seven studies in which it is found in a total of 35 patients with oculocutaneous albinism, including in one in a homozygous state, in 29 in a compound heterozygous state (including one sibling pair and three sisters), and in five in a heterozygous state. None of the affected individuals demonstrated detectable tyrosinase activity, with carriers having low activity compared to controls (Spritz et al. 1990; Oetting et al. 1991; Tripathi et al. 1992; Park et al. 1993; Oetting et al. 1993; Hutton et al. 2008; Gargiulo et al. 2011). Segregation of the p.Thr373Lys variant with disease was shown in several of the studies (Spritz RA et al. 1990; Park et al. 1993; Gargiulo et al. 2011). The p.Thr373Lys variant was absent from 26 control alleles but is reported at a frequency of 0.00081 in the European American population of the Exome Sequencing Project. The Thr373 residue is conserved and located in the region of the protein involved in binding copper which is necessary for catalytic activity (Tripathi et al. 1992). Park et al. (1993) showed that the variant protein was not processed to the mature glycosylated form. Immunohistochemistry studies in COS7 cells by Toyofuku et al. (2001) showed that the p.Thr373Lys variant protein is retained in the ER, in contrast to the wild type protein. Transient expression studies in transfected HeLa cells demonstrated that the p.Thr373Lys variant abolished all three catalytic activities associated with the wild type tyrosinase and was unable to produce melanin (Tripathi et al. 1992). Based on the collective evidence, the p.Thr373Lys variant is classified as pathogenic for oculocutaneous albinism. This variant was observed by ICSL as part of a predisposition screen in an ostensibly healthy population.

Eurofins Ntd Llc (ga)
Classification: Pathogenic. Last evaluated: 2017-03-27. Review status: criteria provided, single submitter. Criteria: EGL Classification Definitions 2015. Collection method: clinical testing. Allele origin: germline. Observed: 6 variant alleles, 6 heterozygotes.

Genetic Services Laboratory, University of Chicago
Classification: Pathogenic for Albinism, oculocutaneous, type IA. Last evaluated: 2015-06-25. Review status: criteria provided, single submitter. Criteria: ACMG Guidelines, 2015. Collection method: clinical testing. Allele origin: germline. Affected: yes.

OMIM
Classification: Pathogenic for ALBINISM, OCULOCUTANEOUS, TYPE IA. Last evaluated: 1992-07-15. Review status: no assertion criteria provided. Collection method: literature only. Allele origin: germline. Not counted in ClinVar's aggregate classification.